The following is an entry in ClinVar:

ClinVar aggregate classification (germline): Uncertain significance (1 of 4 stars; one submission).

Conditions:
Rienhoff syndrome. Also called: LOEYS-DIETZ SYNDROME 5. Identifiers: MedGen C3810012, MONDO:0014262, OMIM 615582.

Submission:

Labcorp Genetics (formerly Invitae), Labcorp
Classification: Uncertain significance for Rienhoff syndrome. Last evaluated: 2023-08-28. Review status: criteria provided, single submitter. Criteria: Invitae Variant Classification Sherloc (09022015). Collection method: clinical testing. Allele origin: germline.
Comment: Advanced modeling of protein sequence and biophysical properties (such as structural, functional, and spatial information, amino acid conservation, physicochemical variation, residue mobility, and thermodynamic stability) performed at Invitae indicates that this missense variant is not expected to disrupt TGFB3 protein function. This variant has not been reported in the literature in individuals affected with TGFB3-related conditions. This variant is not present in population databases (gnomAD no frequency). This sequence change replaces arginine, which is basic and polar, with lysine, which is basic and polar, at codon 214 of the TGFB3 protein (p.Arg214Lys). In summary, the available evidence is currently insufficient to determine the role of this variant in disease. Therefore, it has been classified as a Variant of Uncertain Significance.

NM_003239.5(TGFB3):c.641G>A (p.Arg214Lys)

Gene: TGFB3 (transforming growth factor beta 3; minus strand). Cytogenetic location: 14q24.3.
Variant type: single nucleotide variant.
Coding change: c.641G>A on transcript NM_003239.5 (MANE Select); coding-DNA position 641, G replaced by A.
Protein change: p.Arg214Lys; replaces arginine 214 with lysine.
Molecular consequence: missense variant.
Genome position (GRCh38, 1-based): chr14:75,971,131, C>T on the plus strand (G>A on the coding strand, the complement: TGFB3 is on the minus strand). VCF-style: chr14-75971131-C-T. GRCh37 (hg19) VCF-style: chr14-76437474-C-T.
Other names: c.641G>A, p.Arg214Lys (NM_001329938.2, NM_001329939.2); short protein forms R214K.
Identifiers: ClinVar variation 2756183 (VCV002756183.3), dbSNP rs2504110401, ClinGen allele CA390469392.
Genomic context (GRCh38, chr14:75,971,131, plus strand): 5'-AGGACTAAGGGACCTGAGGTTCATTCTGAAATGCTTATCTGAAGGGTCCACCTACCTCTT[C>T]TCAACAGCCACTCACGCACAGTGTCAGTGACATCAAAGGACAGCCACTCGGCAGTGCCCC-3'
Protein context (NP_003230.1, residues 204-224): VTDTVREWLL[Arg214Lys]RESNLGLEIS